The following is an entry in ClinVar:

ClinVar aggregate classification (germline): Conflicting classifications of pathogenicity. Review status: criteria provided, conflicting classifications (1 of 4 stars). 2 submissions from 2 submitters: Uncertain significance (1); Likely benign (1). Last evaluated 2023-02-14.

Conditions:
Dextro-looped transposition of the great arteries. Also called: Dextrotransposition of the great arteries. Identifiers: Orphanet 860, MedGen C3531771, MONDO:0019443, OMIM 608808, HP:0031348.

Allele frequency attached by ClinVar (database versions not stated): ExAC 0.00001; gnomAD exomes 0.00001; TOPMed 0.00001.
gnomAD v4.1: 12 of 1,613,960 alleles (0.00074%); highest among the groups gnomAD compares: East Asian, 0.0022%; no homozygotes.

Submissions (2):

Labcorp Genetics (formerly Invitae), Labcorp
Classification: Likely benign for Dextro-looped transposition of the great arteries. Last evaluated: 2023-02-14. Review status: criteria provided, single submitter. Criteria: Invitae Variant Classification Sherloc (09022015). Collection method: clinical testing. Allele origin: germline.

GeneDx
Classification: Uncertain significance. Last evaluated: 2019-12-13. Review status: criteria provided, single submitter. Criteria: GeneDx Variant Classification Process June 2021. Collection method: clinical testing. Allele origin: germline. Affected: yes.
Comment: In silico analysis, which includes protein predictors and evolutionary conservation, supports a deleterious effect; Has not been previously published as pathogenic or benign to our knowledge

NM_015335.5(MED13L):c.1859G>A (p.Gly620Glu)

Gene: MED13L (mediator complex subunit 13L; minus strand). Cytogenetic location: 12q24.21.
Variant type: single nucleotide variant.
Coding change: c.1859G>A on transcript NM_015335.5 (MANE Select); coding-DNA position 1859, G replaced by A.
Protein change: p.Gly620Glu; replaces glycine 620 with glutamic acid.
Molecular consequence: missense variant.
Genome position (GRCh38, 1-based): chr12:116,008,554, C>T on the plus strand (G>A on the coding strand, the complement: MED13L is on the minus strand). VCF-style: chr12-116008554-C-T. GRCh37 (hg19) VCF-style: chr12-116446359-C-T.
Other names: short protein forms G620E.
Identifiers: ClinVar variation 1311006 (VCV001311006.5), dbSNP rs780566155, ClinGen allele CA6811344.
Genomic context (GRCh38, chr12:116,008,554, plus strand): 5'-GGTGGGAGACGATAACTATGCCACCACTTTTCTGATGACTCCGGGTTCGAGGGCCTAATC[C>T]CACAATATAAGGCTGTCTCGCTGACCTCTGCCATGAGAGGCAGTCTTTGGCCTACGAGGA-3'
Protein context (NP_056150.1, residues 610-630): AEVSETALYC[Gly620Glu]IRPSNPESSE